The following is an entry in ClinVar:

NM_000051.4(ATM):c.7712T>C (p.Phe2571Ser)

Genes: ATM (ATM serine/threonine kinase; plus strand), C11orf65 (chromosome 11 open reading frame 65; minus strand). Cytogenetic location: 11q22.3.
Variant type: single nucleotide variant.
Coding change: c.7712T>C on transcript NM_000051.4 (MANE Select); coding-DNA position 7712, T replaced by C.
Protein change: p.Phe2571Ser; replaces phenylalanine 2571 with serine.
Molecular consequence: missense variant. On other transcripts: intron variant (2).
Genome position (GRCh38, 1-based): chr11:108,331,961, T>C. VCF-style: chr11-108331961-T-C. GRCh37 (hg19) VCF-style: chr11-108202688-T-C.
Other names: c.7712T>C, p.Phe2571Ser (NM_001351834.2); c.641-22890A>G (NM_001330368.2); c.*38+3259A>G (NM_001351110.2); short protein forms F2571S.
Identifiers: ClinVar variation 481299 (VCV000481299.19), dbSNP rs1555124612, ClinGen allele CA382561064.
Genomic context (GRCh38, chr11:108,331,961, plus strand): 5'-ATCACCCCCATCACACTTTGTTTATTATACTGGCCTTAGCAAATGCAAACAGAGATGAAT[T>C]TCTGACTAAACCAGAGGTAGCCAGAAGAAGCAGAATAACTAAAAATGTGCCTAAACAAAG-3'
Protein context (NP_000042.3, residues 2561-2581): LALANANRDE[Phe2571Ser]LTKPEVARRS

ClinVar aggregate classification (germline): Uncertain significance. Review status: criteria provided, multiple submitters, no conflicts (2 of 4 stars). 3 submissions from 3 submitters: Uncertain significance (3). Last evaluated 2024-03-27.

Conditions:
Hereditary cancer-predisposing syndrome. Also called: Neoplastic Syndromes, Hereditary; Hereditary Cancer Syndrome; Tumor predisposition; Hereditary neoplastic syndrome. Identifiers: Orphanet 140162, MedGen C0027672, MeSH D009386, MONDO:0015356.
Ataxia-telangiectasia syndrome (AT). Also called: LOUIS-BAR SYNDROME; Cerebello-oculocutaneous telangiectasia; Immunodeficiency with ataxia telangiectasia; Ataxia-telangiectasia, complementation group D; AT, COMPLEMENTATION GROUP C; Ataxia-telangiectasia, complementation group E. Identifiers: Orphanet 100, MedGen C0004135, MONDO:0008840, OMIM 208900.

Allele frequency attached by ClinVar (database versions not stated): gnomAD exomes below 0.00001.
gnomAD v4.1: 1 of 1,614,102 alleles (0.000062%); highest among the groups gnomAD compares: Non-Finnish European, 0.000085%; no homozygotes.

Submissions (3):

Labcorp Genetics (formerly Invitae), Labcorp
Classification: Uncertain significance for Ataxia-telangiectasia syndrome. Last evaluated: 2024-03-27. Review status: criteria provided, single submitter. Criteria: Invitae Variant Classification Sherloc (09022015). Collection method: clinical testing. Allele origin: germline.
Comment: This sequence change replaces phenylalanine, which is neutral and non-polar, with serine, which is neutral and polar, at codon 2571 of the ATM protein (p.Phe2571Ser). This variant is not present in population databases (gnomAD no frequency). This variant has not been reported in the literature in individuals affected with ATM-related conditions. ClinVar contains an entry for this variant (Variation ID: 481299). Algorithms developed to predict the effect of missense changes on protein structure and function output the following: SIFT: "Not Available"; PolyPhen-2: "Benign"; Align-GVGD: "Not Available". The serine amino acid residue is found in multiple mammalian species, which suggests that this missense change does not adversely affect protein function. In summary, the available evidence is currently insufficient to determine the role of this variant in disease. Therefore, it has been classified as a Variant of Uncertain Significance.

Color Diagnostics, LLC DBA Color Health
Classification: Uncertain significance for Hereditary cancer-predisposing syndrome. Last evaluated: 2024-03-06. Review status: criteria provided, single submitter. Criteria: ACMG Guidelines, 2015. Collection method: clinical testing. Allele origin: germline.
Comment: This missense variant replaces phenylalanine with serine at codon 2571 of the ATM protein. Computational prediction suggests that this variant may not impact protein structure and function (internally defined REVEL score threshold <= 0.5, PMID: 27666373). To our knowledge, functional studies have not been reported for this variant. This variant has not been reported in individuals affected with hereditary cancer in the literature. This variant has not been identified in the general population by the Genome Aggregation Database (gnomAD). The available evidence is insufficient to determine the role of this variant in disease conclusively. Therefore, this variant is classified as a Variant of Uncertain Significance.

Ambry Genetics
Classification: Uncertain significance for Hereditary cancer-predisposing syndrome. Last evaluated: 2021-07-30. Review status: criteria provided, single submitter. Criteria: Ambry Variant Classification Scheme 2023. Collection method: clinical testing. Allele origin: germline.
Comment: The p.F2571S variant (also known as c.7712T>C), located in coding exon 51 of the ATM gene, results from a T to C substitution at nucleotide position 7712. The phenylalanine at codon 2571 is replaced by serine, an amino acid with highly dissimilar properties. This amino acid position is not well conserved in available vertebrate species. In addition, this alteration is predicted to be tolerated by in silico analysis. Since supporting evidence is limited at this time, the clinical significance of this alteration remains unclear.